The following is an entry in ClinVar:

ClinVar aggregate classification (germline): Uncertain significance (1 of 4 stars; one submission).

gnomAD v4.1: 3 of 1,572,212 alleles (0.00019%); highest among the groups gnomAD compares: South Asian, 0.0011%; no homozygotes.

Submission:

Ambry Genetics
Classification: Uncertain significance. Last evaluated: 2024-12-20. Review status: criteria provided, single submitter. Criteria: Ambry Variant Classification Scheme 2023. Collection method: clinical testing. Allele origin: germline.
Comment: The p.R1176C variant (also known as c.3526C>T), located in coding exon 14 of the WNK2 gene, results from a C to T substitution at nucleotide position 3526. The arginine at codon 1176 is replaced by cysteine, an amino acid with highly dissimilar properties. This amino acid position is conserved. In addition, the in silico prediction for this alteration is inconclusive. Based on the available evidence, the clinical significance of this variant remains unclear.

NM_006648.4(WNK2):c.3526C>T (p.Arg1176Cys)

Gene: WNK2 (WNK lysine deficient protein kinase 2; plus strand). Cytogenetic location: 9q22.31.
Variant type: single nucleotide variant.
Coding change: c.3526C>T on transcript NM_006648.4 (MANE Select); coding-DNA position 3526, C replaced by T.
Protein change: p.Arg1176Cys; replaces arginine 1176 with cysteine.
Molecular consequence: missense variant.
Genome position (GRCh38, 1-based): chr9:93,263,681, C>T. VCF-style: chr9-93263681-C-T. GRCh37 (hg19) VCF-style: chr9-96025963-C-T.
Other names: c.3526C>T, p.Arg1176Cys (NM_001282394.3); short protein forms R1176C.
Identifiers: ClinVar variation 3816565 (VCV003816565.1).